The following is an entry in ClinVar:

ClinVar aggregate classification (germline): Likely pathogenic (1 of 4 stars; one submission).

Conditions:
Leukoencephalopathy with mild cerebellar ataxia and white matter edema (LKPAT). Also called: Leukoencephalopathy with ataxia; Leukoencephalopathy with white matter edema; Brain white matter edema; CLCN2-Related Leukoencephalopathy. Identifiers: Orphanet 363540, MedGen C4554120, MONDO:0014292, OMIM 615651. Disease mechanism: loss of function.

gnomAD v4.1: 1 of 1,614,108 alleles (0.000062%); highest among the groups gnomAD compares: South Asian, 0.0011%; no homozygotes.

Submission:

Neuberg Centre For Genomic Medicine, NCGM
Classification: Likely pathogenic for Leukoencephalopathy with mild cerebellar ataxia and white matter edema. Last evaluated: 2023-02-14. Review status: criteria provided, single submitter. Criteria: ACMG Guidelines, 2015. Collection method: clinical testing. Allele origin: germline. Inheritance: Autosomal recessive inheritance. Affected: yes.
Comment: The stop gain c.2068G>T (p.Glu690Ter) variant in CLCN2 gene has not been reported previously as a pathogenic variant nor as a benign variant, to our knowledge. The c.2068G>T variant is novel (not in any individuals) in both gnomAD Exomes and 1000 Genomes databases. This variant has not been reported to the ClinVar database. The nucleotide change c.2068G>T in CLCN2 is predicted as conserved by GERP++ and PhyloP across 100 vertebrates. This variant is predicted to cause loss of normal protein function through protein truncation. Loss of function variants have been previously reported to be disease causing. For these reasons, this variant has been classified as Likely Pathogenic.

NM_004366.6(CLCN2):c.2068G>T (p.Glu690Ter)

Gene: CLCN2 (chloride voltage-gated channel 2; minus strand). Cytogenetic location: 3q27.1.
Variant type: single nucleotide variant.
Coding change: c.2068G>T on transcript NM_004366.6 (MANE Select); coding-DNA position 2068, G replaced by T.
Protein change: p.Glu690Ter; replaces glutamic acid 690 with a stop codon.
Molecular consequence: nonsense.
Genome position (GRCh38, 1-based): chr3:184,353,108, C>A on the plus strand (G>T on the coding strand, the complement: CLCN2 is on the minus strand). VCF-style: chr3-184353108-C-A. GRCh37 (hg19) VCF-style: chr3-184070896-C-A.
Other names: c.2017G>T, p.Glu673Ter (NM_001171087.3); c.1936G>T, p.Glu646Ter (NM_001171088.3); c.2068G>T, p.Glu690Ter (NM_001171089.3); short protein forms E646*, E673*, E690*.
Identifiers: ClinVar variation 2671736 (VCV002671736.1), dbSNP rs762887805, ClinGen allele CA16602192.